The following is an entry in ClinVar:

NM_001032283.3(TMPO):c.565+2458G>C

Gene: TMPO (thymopoietin; plus strand). Cytogenetic location: 12q23.1.
Variant type: single nucleotide variant.
Coding change: c.565+2458G>C on transcript NM_001032283.3 (MANE Select); 2458 bases into the intron after coding-DNA position 565, G replaced by C.
Molecular consequence: intron variant. On other transcripts: missense variant (1).
Genome position (GRCh38, 1-based): chr12:98,534,296, G>C. VCF-style: chr12-98534296-G-C. GRCh37 (hg19) VCF-style: chr12-98928074-G-C.
Other names: c.2039G>C, p.Gly680Ala (NM_003276.2); c.565+2458G>C (NM_001307975.2, NM_001032284.3); short protein forms G680A.
Identifiers: ClinVar variation 3719926 (VCV003719926.2).

ClinVar aggregate classification (germline): Uncertain significance (1 of 4 stars; one submission).

Conditions:
Loeys-Dietz syndrome 2 (LDS2). Also called: TGFBR2-Related Loeys-Dietz Syndrome; AORTIC ANEURYSM, FAMILIAL THORACIC 3; Marfan Syndrome type 2; Marfan like connective tissue disorder; MFS 2; Marfan syndrome, type 2 (formerly). Identifiers: Orphanet 284973, Orphanet 558, MedGen C2674574, MONDO:0012427, OMIM 610168.

gnomAD v4.1: 4 of 1,613,036 alleles (0.00025%); highest among the groups gnomAD compares: African/African-American, 0.0053%; no homozygotes.

Submission:

Labcorp Genetics (formerly Invitae), Labcorp
Classification: Uncertain significance for Loeys-Dietz syndrome 2. Last evaluated: 2024-04-25. Review status: criteria provided, single submitter. Criteria: Invitae Variant Classification Sherloc (09022015). Collection method: clinical testing. Allele origin: germline.
Comment: This sequence change replaces glycine, which is neutral and non-polar, with alanine, which is neutral and non-polar, at codon 680 of the TMPO protein (p.Gly680Ala). This variant is present in population databases (no rsID available, gnomAD 0.02%). This variant has not been reported in the literature in individuals affected with TMPO-related conditions. Advanced modeling of protein sequence and biophysical properties (such as structural, functional, and spatial information, amino acid conservation, physicochemical variation, residue mobility, and thermodynamic stability) performed at Invitae indicates that this missense variant is not expected to disrupt TMPO protein function with a negative predictive value of 80%. In summary, the available evidence is currently insufficient to determine the role of this variant in disease. Therefore, it has been classified as a Variant of Uncertain Significance.